The following is an entry in ClinVar:

ClinVar aggregate classification (germline): Uncertain significance (1 of 4 stars; one submission).

Conditions:
Glycogen storage disease, type II (IOPD). Also called: Pompe Disease; CARDIOMEGALIA GLYCOGENICA DIFFUSA; GLYCOGENOSIS, GENERALIZED, CARDIAC FORM; GSD II; POMPE DISEASE, INFANTILE-ONSET; GLYCOGEN STORAGE DISEASE II, INFANTILE-ONSET. Identifiers: Orphanet 365, MedGen C0017921, MONDO:0009290, OMIM 232300.

Submission:

Genomenon, Inc
Classification: Uncertain significance for Glycogen storage disease, type II. Last evaluated: 2026-07-01. Review status: criteria provided, single submitter. Criteria: Genomenon Sequence Variant Interpretation Standards - Updated. Collection method: curation. Allele origin: germline.
Comment: GAA p.Leu248Arg (c.743T>G) is a missense variant that changes the amino acid at codon 248 from Leucine to Arginine. This variant has been reported in the compound heterozygous and/or homozygous state in an individual without a confirmed diagnosis of Pompe disease (PMID:20559845). The presence of pathogenic/likely pathogenic missense variant(s) at the same amino acid position indicates that this residue is likely important for protein function. It is absent or not present at a significant frequency in gnomAD. In silico models predict that this variant is possibly or probably damaging. In conclusion, we classify GAA p.Leu248Arg (c.743T>G) as a variant of uncertain significance.

Literature cited by the submitters: PubMed 20559845.

NM_000152.5(GAA):c.743T>G (p.Leu248Arg)

Gene: GAA (alpha glucosidase; plus strand). Cytogenetic location: 17q25.3.
Variant type: single nucleotide variant.
Coding change: c.743T>G on transcript NM_000152.5 (MANE Select); coding-DNA position 743, T replaced by G.
Protein change: p.Leu248Arg; replaces leucine 248 with arginine.
Molecular consequence: missense variant.
Genome position (GRCh38, 1-based): chr17:80,107,607, T>G. VCF-style: chr17-80107607-T-G. GRCh37 (hg19) VCF-style: chr17-78081406-T-G.
Other names: c.743T>G, p.Leu248Arg (NM_001079804.3, NM_001406741.1, NM_001406742.1 and 1 more transcripts); short protein forms L248R.
Identifiers: ClinVar variation 4876572 (VCV004876572.1).